The following is an entry in ClinVar:

NM_181882.3(PRX):c.1970T>G (p.Val657Gly)

Gene: PRX (periaxin; minus strand). Cytogenetic location: 19q13.2.
Variant type: single nucleotide variant.
Coding change: c.1970T>G on transcript NM_181882.3 (MANE Select); coding-DNA position 1970, T replaced by G.
Protein change: p.Val657Gly; replaces valine 657 with glycine.
Molecular consequence: missense variant. On other transcripts: 3 prime UTR variant (1).
Genome position (GRCh38, 1-based): chr19:40,396,382, A>C on the plus strand (T>G on the coding strand, the complement: PRX is on the minus strand). VCF-style: chr19-40396382-A-C. GRCh37 (hg19) VCF-style: chr19-40902289-A-C.
Other names: c.2255T>G, p.Val752Gly (NM_001411127.1); c.*2175T>G (NM_020956.2); short protein forms V657G, V752G.
Identifiers: ClinVar variation 1783621 (VCV001783621.2), dbSNP rs771873105, ClinGen allele CA9444156.

ClinVar aggregate classification (germline): Uncertain significance (1 of 4 stars; one submission).

Conditions:
Inborn genetic diseases. Identifiers: MedGen C0950123, MeSH D030342.

Allele frequency attached by ClinVar (database versions not stated): TOPMed below 0.00001; gnomAD 0.00001; ExAC 0.00002.
gnomAD v4.1: 9 of 1,613,348 alleles (0.00056%); highest among the groups gnomAD compares: Non-Finnish European, 0.00076%; no homozygotes.

Submission:

Ambry Genetics
Classification: Uncertain significance for Inborn genetic diseases. Last evaluated: 2022-01-30. Review status: criteria provided, single submitter. Criteria: Ambry Variant Classification Scheme 2023. Collection method: clinical testing. Allele origin: germline.
Comment: The p.V657G variant (also known as c.1970T>G), located in coding exon 4 of the PRX gene, results from a T to G substitution at nucleotide position 1970. The valine at codon 657 is replaced by glycine, an amino acid with dissimilar properties. This amino acid position is conserved. In addition, this alteration is predicted to be tolerated by in silico analysis. Since supporting evidence is limited at this time, the clinical significance of this alteration remains unclear.